The following is an entry in ClinVar:

ClinVar aggregate classification (germline): Uncertain significance (1 of 4 stars; one submission).

Conditions:
Hereditary hemorrhagic telangiectasia (HHT). Also called: Osler hemorrhagic telangiectasia syndrome; ORW DISEASE; Osler Weber Rendu syndrome; OSLER-RENDU-WEBER DISEASE. Identifiers: Orphanet 774, MedGen C0039445, MONDO:0019180. Disease mechanism: loss of function.

Submission:

Labcorp Genetics (formerly Invitae), Labcorp
Classification: Uncertain significance for Hereditary hemorrhagic telangiectasia. Last evaluated: 2020-09-24. Review status: criteria provided, single submitter. Criteria: Invitae Variant Classification Sherloc (09022015). Collection method: clinical testing. Allele origin: germline.
Comment: This sequence change replaces cysteine with glycine at codon 582 of the ENG protein (p.Cys582Gly). The cysteine residue is weakly conserved and there is a large physicochemical difference between cysteine and glycine. This variant is not present in population databases (ExAC no frequency). This variant has not been reported in the literature in individuals with ENG-related conditions. Algorithms developed to predict the effect of missense changes on protein structure and function (SIFT, PolyPhen-2, Align-GVGD) all suggest that this variant is likely to be tolerated, but these predictions have not been confirmed by published functional studies and their clinical significance is uncertain. In summary, the available evidence is currently insufficient to determine the role of this variant in disease. Therefore, it has been classified as a Variant of Uncertain Significance.

NM_001114753.3(ENG):c.1744T>G (p.Cys582Gly)

Gene: ENG (endoglin; minus strand). Cytogenetic location: 9q34.11.
Variant type: single nucleotide variant.
Coding change: c.1744T>G on transcript NM_001114753.3 (MANE Select); coding-DNA position 1744, T replaced by G.
Protein change: p.Cys582Gly; replaces cysteine 582 with glycine.
Molecular consequence: missense variant.
Genome position (GRCh38, 1-based): chr9:127,816,051, A>C on the plus strand (T>G on the coding strand, the complement: ENG is on the minus strand). VCF-style: chr9-127816051-A-C. GRCh37 (hg19) VCF-style: chr9-130578330-A-C.
Other names: c.1744T>G, p.Cys582Gly (NM_000118.4); c.1198T>G, p.Cys400Gly (NM_001278138.2); short protein forms C400G, C582G.
Identifiers: ClinVar variation 1013753 (VCV001013753.10), dbSNP rs1830304920, ClinGen allele CA374972338.